The following is an entry in ClinVar:

ClinVar aggregate classification (germline): Benign/Likely benign. Review status: criteria provided, multiple submitters, no conflicts (2 of 4 stars). 5 submissions from 5 submitters: Benign (1); Likely benign (4). Last evaluated 2025-12-14.

Conditions:
Familial cancer of breast. Also called: BREAST CANCER, FAMILIAL; Hereditary breast cancer; hereditary breast carcinoma. Identifiers: Orphanet 227535, MedGen C0346153, MONDO:0016419, OMIM 114480. Disease mechanism: loss of function.
Hereditary cancer-predisposing syndrome. Also called: Tumor predisposition; Neoplastic Syndromes, Hereditary; Hereditary Cancer Syndrome; Hereditary neoplastic syndrome. Identifiers: Orphanet 140162, MedGen C0027672, MeSH D009386, MONDO:0015356.
Fanconi anemia complementation group J. Also called: BRIP1-Related Fanconi Anemia. Identifiers: Orphanet 84, MedGen C1836860, MONDO:0012187, OMIM 609054.

Submissions (5):

Labcorp Genetics (formerly Invitae), Labcorp
Classification: Likely benign for Familial cancer of breast; Fanconi anemia complementation group J. Last evaluated: 2025-12-14. Review status: criteria provided, single submitter. Criteria: Invitae Variant Classification Sherloc (09022015). Collection method: clinical testing. Allele origin: germline.

Myriad Genetics, Inc.
Classification: Benign for Familial cancer of breast. Last evaluated: 2024-08-28. Review status: criteria provided, single submitter. Criteria: Myriad Autosomal Dominant, Autosomal Recessive and X-Linked Classification Criteria (2023). Collection method: clinical testing. Allele origin: unknown.
Comment: This variant is considered benign. This variant is a silent/synonymous amino acid change and it is not expected to impact splicing.

Sema4
Classification: Likely benign for Hereditary cancer-predisposing syndrome. Last evaluated: 2021-07-21. Review status: criteria provided, single submitter. Criteria: Sema4 Curation Guidelines. Collection method: curation. Allele origin: germline.

Ambry Genetics
Classification: Likely benign for Hereditary cancer-predisposing syndrome. Last evaluated: 2018-11-10. Review status: criteria provided, single submitter. Criteria: Ambry Variant Classification Scheme 2023. Collection method: clinical testing. Allele origin: germline.

Color Diagnostics, LLC DBA Color Health
Classification: Likely benign for Hereditary cancer-predisposing syndrome. Last evaluated: 2018-03-15. Review status: criteria provided, single submitter. Criteria: ACMG Guidelines, 2015. Collection method: clinical testing. Allele origin: germline.

NM_032043.3(BRIP1):c.1605C>T (p.Asp535=)

Gene: BRIP1 (BRCA1 interacting DNA helicase 1; minus strand). Cytogenetic location: 17q23.2.
Variant type: single nucleotide variant.
Coding change: c.1605C>T on transcript NM_032043.3 (MANE Select); coding-DNA position 1605, C replaced by T.
Protein change: p.Asp535=; no amino-acid change (aspartic acid 535 retained).
Molecular consequence: synonymous variant.
Genome position (GRCh38, 1-based): chr17:61,784,293, G>A on the plus strand (C>T on the coding strand, the complement: BRIP1 is on the minus strand). VCF-style: chr17-61784293-G-A. GRCh37 (hg19) VCF-style: chr17-59861654-G-A.
Identifiers: ClinVar variation 627992 (VCV000627992.17), dbSNP rs56024614, ClinGen allele CA501150687.
Genomic context (GRCh38, chr17:61,784,293, plus strand): 5'-TTTAAAAGGAAAATACATACTAGTTATCTTCACTTACCTGCTATTTTGCCTAAAAAGATA[G>A]TCAAGTACCATAAAAAGTCCTTTAAGCATTATTTGAGTTGATGCACTAATAACAGGTACT-3'
Protein context (NP_114432.2, residues 525-545): IMLKGLFMVL[Asp535=]YLFRQNSRFA